The following is an entry in ClinVar:

ClinVar aggregate classification (germline): Uncertain significance (1 of 4 stars; one submission).

Conditions:
Hereditary cancer-predisposing syndrome. Also called: Hereditary neoplastic syndrome; Neoplastic Syndromes, Hereditary; Tumor predisposition; Hereditary Cancer Syndrome. Identifiers: Orphanet 140162, MedGen C0027672, MeSH D009386, MONDO:0015356.

gnomAD v4.1: 1 of 1,614,224 alleles (0.000062%); highest among the groups gnomAD compares: South Asian, 0.0011%; no homozygotes.

Submission:

Ambry Genetics
Classification: Uncertain significance for Hereditary cancer-predisposing syndrome. Last evaluated: 2026-05-19. Review status: criteria provided, single submitter. Criteria: Ambry Variant Classification Scheme 2023. Collection method: clinical testing. Allele origin: germline.
Comment: The p.I338V variant (also known as c.1012A>G), located in coding exon 7 of the FH gene, results from an A to G substitution at nucleotide position 1012. The isoleucine at codon 338 is replaced by valine, an amino acid with highly similar properties. This nucleotide position is highly conserved in available vertebrate species. This amino acid position is highly conserved in available vertebrate species. In silico splice site analysis predicts that this alteration will result in the creation or strengthening of a novel splice donor site. RNA studies have demonstrated that this variant results in an incomplete splice defect; the clinical impact of this abnormal splicing is unknown at this time (Ambry internal data). In addition, as a missense, this alteration is predicted to be deleterious by in silico analysis. Based on the available evidence, the clinical significance of this variant remains unclear.

NM_000143.4(FH):c.1012A>G (p.Ile338Val)

Gene: FH (fumarate hydratase; minus strand). Cytogenetic location: 1q43.
Variant type: single nucleotide variant.
Coding change: c.1012A>G on transcript NM_000143.4 (MANE Select); coding-DNA position 1012, A replaced by G.
Protein change: p.Ile338Val; replaces isoleucine 338 with valine.
Molecular consequence: missense variant.
Genome position (GRCh38, 1-based): chr1:241,504,138, T>C on the plus strand (A>G on the coding strand, the complement: FH is on the minus strand). VCF-style: chr1-241504138-T-C. GRCh37 (hg19) VCF-style: chr1-241667438-T-C.
Other names: short protein forms I338V.
Identifiers: ClinVar variation 4825090 (VCV004825090.2).